The following is an entry in ClinVar:

ClinVar aggregate classification (germline): Pathogenic (1 of 4 stars; one submission).

Conditions:
SLC35A2-congenital disorder of glycosylation. Also called: DEVELOPMENTAL AND EPILEPTIC ENCEPHALOPATHY 22; SLC35A2-CDG; EPILEPTIC ENCEPHALOPATHY, EARLY INFANTILE, 22; CONGENITAL DISORDER OF GLYCOSYLATION, TYPE IIm; CDG IIm; CONGENITAL DISORDER OF GLYCOSYLATION, TYPE IIm, SOMATIC MOSAIC. Identifiers: Orphanet 356961, MedGen C3806688, MONDO:0010478, OMIM 300896.

Submission:

Institute for Genomic Medicine, Nationwide Children's Hospital
Classification: Pathogenic for SLC35A2-congenital disorder of glycosylation. Last evaluated: 2025-11-06. Review status: criteria provided, single submitter. Criteria: ACMG Guidelines, 2015. Collection method: research. Allele origin: somatic. Inheritance: X-linked dominant inheritance. Affected: yes. Observed: 1 heterozygote.
Comment: The c.424C>T variant is predicted to cause an early stop codon (p.Gln142Ter) in SLC35A2, which would significantly truncate the encoded protein and may be subject to nonsense-mediated decay (NMD). Somatic variants in SLC35A2 cause epilepsy-associated focal cortical dysplasia in humans (PMIDs 31444548, 35441233, 35687047) and the level of mosaicism correlates with clinical findings (PMID 32637635). Although missense and inframe variants in this gene have been reported to cause disease, the majority of pathogenic/likely pathogenic variants in ClinVar are loss-of-function variants. This variant is located close to the edge of exon 3 of the canonical transcript, but is not predicted to impact splicing by SpliceAI; RNA-seq of patient tissue demonstrated normal splicing for variant-containing reads but a reduced allele frequency consistent with NMD. We interpret this as a pathogenic variant.

Literature cited by the submitters: PubMed 31444548; PubMed 35441233; PubMed 35687047; PubMed 32637635.

NM_005660.3(SLC35A2):c.424C>T (p.Gln142Ter)

Gene: SLC35A2 (solute carrier family 35 member A2; minus strand). Cytogenetic location: Xp11.23.
Variant type: single nucleotide variant.
Coding change: c.424C>T on transcript NM_005660.3 (MANE Select); coding-DNA position 424, C replaced by T.
Protein change: p.Gln142Ter; replaces glutamine 142 with a stop codon.
Molecular consequence: nonsense.
Genome position (GRCh38, 1-based): chrX:48,906,394, G>A on the plus strand (C>T on the coding strand, the complement: SLC35A2 is on the minus strand). VCF-style: chrX-48906394-G-A. GRCh37 (hg19) VCF-style: chrX-48763671-G-A.
Other names: c.424C>T, p.Gln142Ter (NM_001032289.3, NM_001042498.3, NM_001282647.2); c.352C>T, p.Gln118Ter (NM_001282648.2); c.241C>T, p.Gln81Ter (NM_001282649.2); c.463C>T, p.Gln155Ter (NM_001282650.2); c.508C>T, p.Gln170Ter (NM_001282651.2); short protein forms Q118*, Q142*, Q155*, Q170*, Q81*.
Identifiers: ClinVar variation 4526870 (VCV004526870.1).
Genomic context (GRCh38, chrX:48,906,394, plus strand): 5'-ATACTCCAGTCCCCAACCCAGTTAGTTCCTCTGGGGCCATGCTGGGCTTGGGGCTCACCT[G>A]GAAAGTGGCAGCTGGTAGGTTAGAGATGGCAACATACTGGAGGTTATTCTGCAAGGTGTA-3'